The following is an entry in ClinVar:

ClinVar aggregate classification (germline): Conflicting classifications of pathogenicity. Review status: criteria provided, conflicting classifications (1 of 4 stars). 6 submissions from 6 submitters: Uncertain significance (4); Benign (1); Likely benign (1). Last evaluated 2026-01-19.

Conditions:
Colorectal cancer. Also called: Colorectal cancer, somatic; Malignant Colorectal Neoplasm. Identifiers: MedGen C0346629, MONDO:0005575, OMIM 114500.
Familial spontaneous pneumothorax (PSP). Identifiers: Orphanet 2903, MedGen C1868193, MONDO:0008259, OMIM 173600.
Birt-Hogg-Dube syndrome. Also called: Birt Hogg Dubé syndrome. Identifiers: Orphanet 122, MedGen C0346010, MONDO:0800444.
Nonpapillary renal cell carcinoma. Identifiers: Orphanet 422526, MedGen CN074294, MONDO:0007763, OMIM 144700.
17p11.2 microduplication syndrome (PTLS). Also called: CHROMOSOME 17p11.2 DUPLICATION SYNDROME; Potocki-Lupski syndrome; Duplication 17p11.2 syndrome; Potocki-Lupski syndrome (dup(17)(p11.2p11.2)). Identifiers: Orphanet 1713, MedGen C2931246, MONDO:0012574, OMIM 610883.
Birt-Hogg-Dube syndrome 1 (BHD1). Also called: FIBROFOLLICULOMAS WITH TRICHODISCOMAS AND ACROCHORDONS. Identifiers: Orphanet 122, MedGen CN375946, MONDO:0800445, OMIM 135150.
FLCN-related disorder. Also called: FLCN-related condition.
Hereditary cancer-predisposing syndrome. Also called: Neoplastic Syndromes, Hereditary; Hereditary Cancer Syndrome; Tumor predisposition; Hereditary neoplastic syndrome. Identifiers: Orphanet 140162, MedGen C0027672, MeSH D009386, MONDO:0015356.

Allele frequency attached by ClinVar (database versions not stated): 1000 Genomes Project 30x 0.00016; 1000 Genomes Project 0.00020.

Submissions (6):

Labcorp Genetics (formerly Invitae), Labcorp
Classification: Uncertain significance for Birt-Hogg-Dube syndrome. Last evaluated: 2026-01-19. Review status: criteria provided, single submitter. Criteria: Invitae Variant Classification Sherloc (09022015). Collection method: clinical testing. Allele origin: germline.
Comment: This sequence change replaces histidine, which is basic and polar, with tyrosine, which is neutral and polar, at codon 429 of the FLCN protein (p.His429Tyr). This variant is present in population databases (rs375082054, gnomAD 0.03%), and has an allele count higher than expected for a pathogenic variant. This missense change has been observed in individual(s) with primary spontaneous pneumothorax (PMID: 18505456). This variant is also known as 1740C>T. ClinVar contains an entry for this variant (Variation ID: 485611). Invitae Evidence Modeling of protein sequence and biophysical properties (such as structural, functional, and spatial information, amino acid conservation, physicochemical variation, residue mobility, and thermodynamic stability) indicates that this missense variant is not expected to disrupt FLCN protein function with a negative predictive value of 80%. In summary, the available evidence is currently insufficient to determine the role of this variant in disease. Therefore, it has been classified as a Variant of Uncertain Significance.

PreventionGenetics, part of Exact Sciences
Classification: Uncertain significance for FLCN-related condition. Last evaluated: 2024-10-31. Review status: criteria provided, single submitter. Criteria: ACMG Guidelines, 2015. Collection method: clinical testing. Allele origin: germline.
Comment: The FLCN c.1285C>T variant is predicted to result in the amino acid substitution p.His429Tyr. This variant has been reported in an individual with primary spontaneous pneumothorax (Ren et al. 2008. PubMed ID: 18505456). This variant is reported in 0.026% of alleles in individuals of South Asian descent in gnomAD. This variant has conflicting interpretations in ClinVar ranging from uncertain significance to likely benign. At this time, the clinical significance of this variant is uncertain due to the absence of conclusive functional and genetic evidence.

Myriad Genetics, Inc.
Classification: Likely benign for Birt-Hogg-Dube syndrome 1. Last evaluated: 2024-10-24. Review status: criteria provided, single submitter. Criteria: Myriad Autosomal Dominant, Autosomal Recessive and X-Linked Classification Criteria (2023). Collection method: clinical testing. Allele origin: unknown.
Comment: This variant is considered likely benign. This variant has been observed at a population frequency that is significantly greater than expected given the associated disease prevalence and penetrance.

GeneDx
Classification: Uncertain significance. Last evaluated: 2022-11-28. Review status: criteria provided, single submitter. Criteria: GeneDx Variant Classification Process June 2021. Collection method: clinical testing. Allele origin: germline. Affected: yes.
Comment: In silico analysis supports that this missense variant has a deleterious effect on protein structure/function; Observed in an individual with primary spontaneous pneumothorax (Ren et al., 2008); This variant is associated with the following publications: (PMID: 21937013, 29357828, 19802896, 17028174, 31937788, 18505456)

Ambry Genetics
Classification: Benign for Hereditary cancer-predisposing syndrome. Last evaluated: 2022-07-05. Review status: criteria provided, single submitter. Criteria: Ambry Variant Classification Scheme 2023. Collection method: clinical testing. Allele origin: germline.

Fulgent Genetics
Classification: Uncertain significance for Colorectal cancer; Birt-Hogg-Dube syndrome 1; Nonpapillary renal cell carcinoma; Familial spontaneous pneumothorax; 17p11.2 microduplication syndrome. Last evaluated: 2022-04-05. Review status: criteria provided, single submitter. Criteria: ACMG Guidelines, 2015. Collection method: clinical testing. Allele origin: unknown.

Literature cited by the submitters: PubMed 18505456 (cited by Labcorp Genetics (formerly Invitae), Labcorp).

NM_144997.7(FLCN):c.1285C>T (p.His429Tyr)

Gene: FLCN (folliculin; minus strand). Cytogenetic location: 17p11.2.
Variant type: single nucleotide variant.
Coding change: c.1285C>T on transcript NM_144997.7 (MANE Select); coding-DNA position 1285, C replaced by T.
Protein change: p.His429Tyr; replaces histidine 429 with tyrosine.
Molecular consequence: missense variant.
Genome position (GRCh38, 1-based): chr17:17,216,395, G>A on the plus strand (C>T on the coding strand, the complement: FLCN is on the minus strand). VCF-style: chr17-17216395-G-A. GRCh37 (hg19) VCF-style: chr17-17119709-G-A.
Other names: c.1339C>T, p.His447Tyr (NM_001353229.2); c.1285C>T, p.His429Tyr (NM_001353230.2, NM_001353231.2); c.1285C>T (LRG_325t1); short protein forms H429Y, H447Y.
Identifiers: ClinVar variation 485611 (VCV000485611.18), dbSNP rs375082054, ClinGen allele CA8416073.